The following is an entry in ClinVar:

NM_017534.6(MYH2):c.4642G>T (p.Ala1548Ser)

Genes: MYHAS (myosin heavy chain gene cluster antisense RNA; plus strand), MYH2 (myosin heavy chain 2; minus strand), LOC126862500 (BRD4-independent group 4 enhancer GRCh37_chr17:10427829-10429028; plus strand). Cytogenetic location: 17p13.1.
Variant type: single nucleotide variant.
Coding change: c.4642G>T on transcript NM_017534.6 (MANE Select); coding-DNA position 4642, G replaced by T.
Protein change: p.Ala1548Ser; replaces alanine 1548 with serine.
Molecular consequence: missense variant.
Genome position (GRCh38, 1-based): chr17:10,525,244, C>A on the plus strand (G>T on the coding strand, the complement: MYH2 is on the minus strand). VCF-style: chr17-10525244-C-A. GRCh37 (hg19) VCF-style: chr17-10428561-C-A.
Other names: c.4642G>T, p.Ala1548Ser (NM_001100112.2); short protein forms A1548S.
Identifiers: ClinVar variation 3400763 (VCV003400763.3).

ClinVar aggregate classification (germline): Uncertain significance. Review status: criteria provided, multiple submitters, no conflicts (2 of 4 stars). 2 submissions from 2 submitters: Uncertain significance (2). Last evaluated 2024-07-26.

Conditions:
Myopathy, proximal, and ophthalmoplegia (CMYO6). Also called: INCLUSION BODY MYOPATHY 3, AUTOSOMAL DOMINANT; CONGENITAL MYOPATHY 6 WITH OPHTHALMOPLEGIA; MYOPATHY WITH CONGENITAL JOINT CONTRACTURES, OPHTHALMOPLEGIA, AND RIMMED VACUOLES. Identifiers: Orphanet 363677, Orphanet 79091, MedGen C1854106, MONDO:0011577, OMIM 605637.
Inborn genetic diseases. Identifiers: MedGen C0950123, MeSH D030342.

gnomAD v4.1: 6 of 1,613,978 alleles (0.00037%); highest among the groups gnomAD compares: African/African-American, 0.0067%; no homozygotes.

Submissions (2):

Ambry Genetics
Classification: Uncertain significance for Inborn genetic diseases. Last evaluated: 2024-07-26. Review status: criteria provided, single submitter. Criteria: Ambry Variant Classification Scheme 2023. Collection method: clinical testing. Allele origin: germline.

Labcorp Genetics (formerly Invitae), Labcorp
Classification: Uncertain significance for Myopathy, proximal, and ophthalmoplegia. Last evaluated: 2024-05-06. Review status: criteria provided, single submitter. Criteria: Invitae Variant Classification Sherloc (09022015). Collection method: clinical testing. Allele origin: germline.
Comment: This sequence change replaces alanine, which is neutral and non-polar, with serine, which is neutral and polar, at codon 1548 of the MYH2 protein (p.Ala1548Ser). This variant is present in population databases (no rsID available, gnomAD 0.0009%). This variant has not been reported in the literature in individuals affected with MYH2-related conditions. Advanced modeling of protein sequence and biophysical properties (such as structural, functional, and spatial information, amino acid conservation, physicochemical variation, residue mobility, and thermodynamic stability) performed at Invitae indicates that this missense variant is not expected to disrupt MYH2 protein function with a negative predictive value of 80%. In summary, the available evidence is currently insufficient to determine the role of this variant in disease. Therefore, it has been classified as a Variant of Uncertain Significance.